The following is an entry in ClinVar:

NM_020975.6(RET):c.95C>T (p.Ser32Leu)

Gene: RET (ret proto-oncogene; plus strand). Cytogenetic location: 10q11.21.
Variant type: single nucleotide variant.
Coding change: c.95C>T on transcript NM_020975.6 (MANE Select); coding-DNA position 95, C replaced by T.
Protein change: p.Ser32Leu; replaces serine 32 with leucine.
Molecular consequence: missense variant.
Genome position (GRCh38, 1-based): chr10:43,100,480, C>T. VCF-style: chr10-43100480-C-T. GRCh37 (hg19) VCF-style: chr10-43595928-C-T.
Other names: c.95C>T, p.Ser32Leu (NM_000323.2, NM_001406743.1, NM_001406744.1 and 34 more transcripts); short protein forms S32L.
Identifiers: ClinVar variation 13923 (VCV000013923.9), dbSNP rs76764689, ClinGen allele CA009398.

ClinVar aggregate classification (germline): Likely pathogenic. Review status: criteria provided, multiple submitters, no conflicts (2 of 4 stars). 5 submissions from 5 submitters: Likely pathogenic (3). 2 of the submissions do not count toward it. Last evaluated 2025-01-21.

Conditions:
RET-related disorder. Also called: RET-related disorders; RET-related condition; RET-related disease.
Multiple endocrine neoplasia, type 2 (MEN2). Identifiers: Orphanet 653, MedGen C4048306, MONDO:0019003. Disease mechanism: gain of function.
Aganglionic megacolon (HSCR). Also called: Hirschsprung's disease; Hirschsprung disease. Identifiers: Orphanet 388, MedGen C0019569, MeSH D006627, MONDO:0018309, HP:0002251.
Hirschsprung disease, susceptibility to, 1 (HSCR1). Also called: RET-Related Hirschsprung Disease. Identifiers: Orphanet 388, MedGen C3888239, MONDO:0007723, OMIM 142623.

Allele frequency attached by ClinVar (database versions not stated): gnomAD exomes below 0.00001.
gnomAD v4.1: 1 of 1,613,492 alleles (0.000062%); highest among the groups gnomAD compares: Non-Finnish European, 0.000085%; no homozygotes.

Submissions (5):

3billion
Classification: Likely pathogenic for Hirschsprung disease, susceptibility to, 1. Last evaluated: 2025-01-21. Review status: criteria provided, single submitter. Criteria: ACMG Guidelines, 2015. Collection method: clinical testing. Allele origin: germline. Affected: yes.
Comment: The variant is observed at an extremely low frequency in the gnomAD v4.1.0 dataset (total allele frequency: <0.001%). Predicted Consequence/Location: Missense variant Functional studies provide strong evidence of the variant having a damaging effect on the gene or gene product (PMID: 20473317). The same nucleotide change resulting in the same amino acid change has been previously reported to be associated with RET-related disorder (ClinVar ID: VCV000013923 /PMID: 8114939). The variant has been reported to co-segregate with the disease in at least 3 similarly affected relatives/individuals in the same family or similarly affected unrelated families (PMID: 8114939). Therefore, this variant is classified as Likely pathogenic according to the recommendation of ACMG/AMP guideline.

Labcorp Genetics (formerly Invitae), Labcorp
Classification: Likely pathogenic for Multiple endocrine neoplasia, type 2. Last evaluated: 2022-08-20. Review status: criteria provided, single submitter. Criteria: Invitae Variant Classification Sherloc (09022015). Collection method: clinical testing. Allele origin: germline.
Comment: This sequence change replaces serine, which is neutral and polar, with leucine, which is neutral and non-polar, at codon 32 of the RET protein (p.Ser32Leu). This variant is not present in population databases (gnomAD no frequency). This missense change has been observed in individual(s) with Hirschsprung disease (PMID: 7581377, 8114939). It has also been observed to segregate with disease in related individuals. ClinVar contains an entry for this variant (Variation ID: 13923). Algorithms developed to predict the effect of missense changes on protein structure and function (SIFT, PolyPhen-2, Align-GVGD) all suggest that this variant is likely to be tolerated. Experimental studies have shown that this missense change affects RET function (PMID: 8654369, 8894691, 9681515, 20473317). In summary, the currently available evidence indicates that the variant is pathogenic, but additional data are needed to prove that conclusively. Therefore, this variant has been classified as Likely Pathogenic.

Blueprint Genetics
Classification: Likely pathogenic for RET-related disorders. Last evaluated: 2021-04-30. Review status: criteria provided, single submitter. Criteria: ACMG Guidelines, 2015. Collection method: clinical testing. Allele origin: germline. Affected: yes. Observed: 2 variant alleles.

Clinical Molecular Genetics Laboratory, Johns Hopkins All Children's Hospital
Classification: Likely pathogenic for Hirschsprung disease. Last evaluated: 2014-07-29. Review status: no assertion criteria provided. Collection method: clinical testing. Allele origin: germline. Affected: yes. Not counted in ClinVar's aggregate classification.

OMIM
Classification: risk factor for HIRSCHSPRUNG DISEASE, SUSCEPTIBILITY TO, 1. Last evaluated: 1994-01-27. Review status: no assertion criteria provided. Collection method: literature only. Allele origin: germline. Not counted in ClinVar's aggregate classification.

Literature cited by the submitters: PubMed 20473317 (cited by 3billion and Labcorp Genetics (formerly Invitae), Labcorp); PubMed 8114939 (cited by 3 submitters); PubMed 7581377 (cited by Labcorp Genetics (formerly Invitae), Labcorp); PubMed 8654369 (cited by Labcorp Genetics (formerly Invitae), Labcorp); PubMed 8894691 (cited by Labcorp Genetics (formerly Invitae), Labcorp); PubMed 9681515 (cited by Labcorp Genetics (formerly Invitae), Labcorp).